The following is an entry in ClinVar:

ClinVar aggregate classification (germline): Uncertain significance. Review status: criteria provided, multiple submitters, no conflicts (2 of 4 stars). 2 submissions from 2 submitters: Uncertain significance (2). Last evaluated 2025-10-15.

Conditions:
Hereditary cancer-predisposing syndrome. Also called: Neoplastic Syndromes, Hereditary; Hereditary neoplastic syndrome; Tumor predisposition; Hereditary Cancer Syndrome. Identifiers: Orphanet 140162, MedGen C0027672, MeSH D009386, MONDO:0015356.
Microcephaly, normal intelligence and immunodeficiency (NBS). Also called: Immunodeficiency, microcephaly with normal intelligence; Ataxia telangiectasia variant V1; IMMUNODEFICIENCY, MICROCEPHALY, AND CHROMOSOMAL INSTABILITY; BERLIN BREAKAGE SYNDROME; SEEMANOVA SYNDROME II; Nijmegen breakage syndrome. Identifiers: Orphanet 647, MedGen C0398791, MONDO:0009623, OMIM 251260.

Allele frequency attached by ClinVar (database versions not stated): gnomAD exomes below 0.00001; ExAC 0.00001.

Submissions (2):

Ambry Genetics
Classification: Uncertain significance for Hereditary cancer-predisposing syndrome. Last evaluated: 2025-10-15. Review status: criteria provided, single submitter. Criteria: Ambry Variant Classification Scheme 2023. Collection method: clinical testing. Allele origin: germline.
Comment: The p.T253A variant (also known as c.757A>G), located in coding exon 7 of the NBN gene, results from an A to G substitution at nucleotide position 757. The threonine at codon 253 is replaced by alanine, an amino acid with similar properties. This amino acid position is well conserved in available vertebrate species; however, alanine is the reference amino acid in other vertebrate species. In addition, this alteration is predicted to be tolerated by in silico analysis. Since supporting evidence is limited at this time, the clinical significance of this alteration remains unclear.

Labcorp Genetics (formerly Invitae), Labcorp
Classification: Uncertain significance for Microcephaly, normal intelligence and immunodeficiency. Last evaluated: 2025-05-09. Review status: criteria provided, single submitter. Criteria: Invitae Variant Classification Sherloc (09022015). Collection method: clinical testing. Allele origin: germline.
Comment: This sequence change replaces threonine, which is neutral and polar, with alanine, which is neutral and non-polar, at codon 253 of the NBN protein (p.Thr253Ala). This variant is present in population databases (rs765602971, gnomAD 0.0009%). This variant has not been reported in the literature in individuals affected with NBN-related conditions. ClinVar contains an entry for this variant (Variation ID: 530749). An algorithm developed to predict the effect of missense changes on protein structure and function outputs the following: PolyPhen-2: "Benign". The alanine amino acid residue is found in multiple mammalian species, which suggests that this missense change does not adversely affect protein function. In summary, the available evidence is currently insufficient to determine the role of this variant in disease. Therefore, it has been classified as a Variant of Uncertain Significance.

NM_002485.5(NBN):c.757A>G (p.Thr253Ala)

Gene: NBN (nibrin; minus strand). Cytogenetic location: 8q21.3.
Variant type: single nucleotide variant.
Coding change: c.757A>G on transcript NM_002485.5 (MANE Select); coding-DNA position 757, A replaced by G.
Protein change: p.Thr253Ala; replaces threonine 253 with alanine.
Molecular consequence: missense variant.
Genome position (GRCh38, 1-based): chr8:89,970,503, T>C on the plus strand (A>G on the coding strand, the complement: NBN is on the minus strand). VCF-style: chr8-89970503-T-C. GRCh37 (hg19) VCF-style: chr8-90982731-T-C.
Other names: c.511A>G, p.Thr171Ala (NM_001024688.3); short protein forms T253A, T171A.
Identifiers: ClinVar variation 530749 (VCV000530749.14), dbSNP rs765602971, ClinGen allele CA4802889.
Genomic context (GRCh38, chr8:89,970,503, plus strand): 5'-TATCAACAACACACGTTCCCGGAGCCAAAAAGAAATTATGTTCTTCTTCATTCTCTTCTG[T>C]TATCAACCTAGCTTCCCCACCTCCAAAGACAACTGCGGAACTCAATTTCTTATGCTAAAA-3'
Protein context (NP_002476.2, residues 243-263): VFGGGEARLI[Thr253Ala]EENEEEHNFF